The following is an entry in ClinVar:

ClinVar aggregate classification (germline): Uncertain significance (1 of 4 stars; one submission).

Conditions:
Salla disease (SD). Also called: Less Severe FSASD (Salla Disease); Sialuria, Finnish type; N-acetylneuraminic acid (NANA) storage disease (NSD); Infantile sialic acid storage disorder (ISSD). Identifiers: Orphanet 309334, Orphanet 834, MedGen C1096903, MONDO:0011449, OMIM 604369.
Sialic acid storage disease, severe infantile type (ISSD). Also called: N-ACETYLNEURAMINIC ACID STORAGE DISEASE; NANA STORAGE DISEASE; SIALURIA, INFANTILE FORM; Free sialic acid storage disease, infantile form; INFANTILE SIALIC ACID STORAGE DISORDER; Infantile Sialic Acid Storage Disease. Identifiers: Orphanet 309324, Orphanet 834, MedGen C1096902, MONDO:0010027, OMIM 269920.

Allele frequency attached by ClinVar (database versions not stated): gnomAD exomes below 0.00001; TOPMed below 0.00001; ExAC 0.00001; gnomAD 0.00001; ESP Exome Variant Server 0.00008.
gnomAD v4.1: 1 of 1,613,906 alleles (0.000062%); highest among the groups gnomAD compares: Non-Finnish European, 0.000085%; no homozygotes.

Submission:

Diagnostics Services (NGS), CSIR - Centre For Cellular And Molecular Biology
Classification: Uncertain significance for Sialic acid storage disease, severe infantile type; Salla disease. Last evaluated: 2022-03-23. Review status: criteria provided, single submitter. Criteria: ACMG Guidelines, 2015. Collection method: clinical testing. Allele origin: unknown. Inheritance: Autosomal recessive inheritance. Affected: no. Observed: 1 variant allele, 1 heterozygote.
Comment: The c.574C>T variant is not present in publicly available population databases like 1000 Genomes and Indian Exome Database. The heterozygous state of the variant is present in Exome Variant Server (EVS), Exome Aggregation Consortium (ExAC) and Genome Aggregation Database (gnomAD), at a very low frequency. The variant is not present in our in-house exome database. The variant was not previously reported to Clinvar, Human Genome Mutation Database (HGMD) and/or OMIM databases, in any affected individuals. In-silico pathogenicity prediction programs like SIFT, PolyPhen-2, MutationTaster2, CADD, Varsome etc. predicted this variant to be likely deleterious, however these predictions were not confirmed by any established or published functional studies.

The c.574C>T variant was identified as a part of carrier screening in a couple.

Literature cited by the submitters: PubMed 10546100.

NM_012434.5(SLC17A5):c.574C>T (p.Pro192Ser)

Gene: SLC17A5 (solute carrier family 17 member 5; minus strand). Cytogenetic location: 6q13.
Variant type: single nucleotide variant.
Coding change: c.574C>T on transcript NM_012434.5 (MANE Select); coding-DNA position 574, C replaced by T.
Protein change: p.Pro192Ser; replaces proline 192 with serine.
Molecular consequence: missense variant.
Genome position (GRCh38, 1-based): chr6:73,638,451, G>A on the plus strand (C>T on the coding strand, the complement: SLC17A5 is on the minus strand). VCF-style: chr6-73638451-G-A. GRCh37 (hg19) VCF-style: chr6-74348174-G-A.
Other names: c.343C>T, p.Pro115Ser (NM_001382629.1, NM_001382636.1); c.574C>T, p.Pro192Ser (NM_001382630.1, NM_001382632.1, NM_001382633.1 and 2 more transcripts); c.595C>T, p.Pro199Ser (NM_001382631.1); short protein forms P115S, P192S, P199S.
Identifiers: ClinVar variation 1691289 (VCV001691289.4), dbSNP rs149233119, ClinGen allele CA3890501.
Genomic context (GRCh38, chr6:73,638,451, plus strand): 5'-ATTTGGTAATTGTTATCTCACCTGCATATGAAATGCTAAGAAGTTTGCTTCTTTCAAGAG[G>A]GGGAGCCCAAGAAGACCACATGGCATGCATGGCTGGAAATGTAACACCCTGAGAGAAGGG-3'
Protein context (NP_036566.1, residues 182-202): MHAMWSSWAP[Pro192Ser]LERSKLLSIS